The following is an entry in ClinVar:

ClinVar aggregate classification (germline): Uncertain significance (1 of 4 stars; one submission).

Allele frequency attached by ClinVar (database versions not stated): ExAC 0.00005.
gnomAD v4.1: 13 of 1,584,070 alleles (0.00082%); highest among the groups gnomAD compares: South Asian, 0.0046%; no homozygotes.

Submission:

Labcorp Genetics (formerly Invitae), Labcorp
Classification: Uncertain significance. Last evaluated: 2022-12-13. Review status: criteria provided, single submitter. Criteria: Invitae Variant Classification Sherloc (09022015). Collection method: clinical testing. Allele origin: germline.
Comment: The frequency data for this variant in the population databases is considered unreliable, as metrics indicate poor data quality at this position in the gnomAD database. This sequence change replaces valine, which is neutral and non-polar, with methionine, which is neutral and non-polar, at codon 111 of the PLEKHG2 protein (p.Val111Met). This variant has not been reported in the literature in individuals affected with PLEKHG2-related conditions. Algorithms developed to predict the effect of missense changes on protein structure and function are either unavailable or do not agree on the potential impact of this missense change (SIFT: "Deleterious"; PolyPhen-2: "Probably Damaging"; Align-GVGD: "Class C15"). In summary, the available evidence is currently insufficient to determine the role of this variant in disease. Therefore, it has been classified as a Variant of Uncertain Significance.

NM_022835.3(PLEKHG2):c.331G>A (p.Val111Met)

Gene: PLEKHG2 (pleckstrin homology and RhoGEF domain containing G2; plus strand). Cytogenetic location: 19q13.2.
Variant type: single nucleotide variant.
Coding change: c.331G>A on transcript NM_022835.3 (MANE Select); coding-DNA position 331, G replaced by A.
Protein change: p.Val111Met; replaces valine 111 with methionine.
Molecular consequence: missense variant.
Genome position (GRCh38, 1-based): chr19:39,415,213, G>A. VCF-style: chr19-39415213-G-A. GRCh37 (hg19) VCF-style: chr19-39905853-G-A.
Other names: c.154G>A, p.Val52Met (NM_001351693.2); c.331G>A, p.Val111Met (NM_001351694.2); short protein forms V52M, V111M.
Identifiers: ClinVar variation 2186597 (VCV002186597.4), dbSNP rs751959531, ClinGen allele CA9429023.
Genomic context (GRCh38, chr19:39,415,213, plus strand): 5'-CCGGTGGGGATCCCAGGTTCAGCCAGACCCTCAAGGCTGGAGCGTGTGGCCCGGGAGATC[G>A]TGGAGACAGAACGGGCCTATGTCAGGGACCTCCGCAGCATCGTGGAGGTAAGGCGGGCAG-3'
Protein context (NP_073746.2, residues 101-121): SRLERVAREI[Val111Met]ETERAYVRDL